The following is an entry in ClinVar:

ClinVar aggregate classification (germline): Uncertain significance (1 of 4 stars; one submission).

Submission:

Labcorp Genetics (formerly Invitae), Labcorp
Classification: Uncertain significance. Last evaluated: 2021-06-27. Review status: criteria provided, single submitter. Criteria: Invitae Variant Classification Sherloc (09022015). Collection method: clinical testing. Allele origin: germline.
Comment: This sequence change falls in intron 2 of the RAB11B gene. It does not directly change the encoded amino acid sequence of the RAB11B protein. It affects a nucleotide within the consensus splice site of the intron. This variant is not present in population databases (ExAC no frequency). This variant has not been reported in the literature in individuals with RAB11B-related conditions. Nucleotide substitutions within the consensus splice site are a relatively common cause of aberrant splicing (PMID: 17576681, 9536098). Algorithms developed to predict the effect of sequence changes on RNA splicing suggest that this variant may create or strengthen a splice site, but this prediction has not been confirmed by published transcriptional studies. In summary, the available evidence is currently insufficient to determine the role of this variant in disease. Therefore, it has been classified as a Variant of Uncertain Significance.

Literature cited by the submitters: PubMed 17576681; PubMed 9536098.

NM_004218.4(RAB11B):c.236+4C>A

Gene: RAB11B (RAB11B, member RAS oncogene family; plus strand). Cytogenetic location: 19p13.2.
Variant type: single nucleotide variant.
Coding change: c.236+4C>A on transcript NM_004218.4 (MANE Select); 4 bases into the intron after coding-DNA position 236, C replaced by A.
Molecular consequence: intron variant.
Genome position (GRCh38, 1-based): chr19:8,400,062, C>A. VCF-style: chr19-8400062-C-A. GRCh37 (hg19) VCF-style: chr19-8464946-C-A.
Identifiers: ClinVar variation 1435675 (VCV001435675.6), dbSNP rs916190479, ClinGen allele CA2573155946.